The following is an entry in ClinVar:

NM_000465.4(BARD1):c.402T>G (p.Asn134Lys)

Gene: BARD1 (BRCA1 associated RING domain 1; minus strand). Cytogenetic location: 2q35.
Variant type: single nucleotide variant.
Coding change: c.402T>G on transcript NM_000465.4 (MANE Select); coding-DNA position 402, T replaced by G.
Protein change: p.Asn134Lys; replaces asparagine 134 with lysine.
Molecular consequence: missense variant. On other transcripts: non-coding transcript variant (2), intron variant (3).
Genome position (GRCh38, 1-based): chr2:214,781,472, A>C on the plus strand (T>G on the coding strand, the complement: BARD1 is on the minus strand). VCF-style: chr2-214781472-A-C. GRCh37 (hg19) VCF-style: chr2-215646196-A-C.
Other names: c.345T>G, p.Asn115Lys (NM_001282543.2); c.158+27940T>G (NM_001282548.2); c.215+15589T>G (NM_001282545.2); c.364+10825T>G (NM_001282549.2); short protein forms N134K, N115K.
Identifiers: ClinVar variation 2450463 (VCV002450463.2), dbSNP rs2469514067, ClinGen allele CA350458061.
Genomic context (GRCh38, chr2:214,781,472, plus strand): 5'-GACTTTCTTACTTCGAGGGCTAAACCACATTTTAATTGAATTCTTCTTGTTTCCTGCATC[A>C]TTAAACAAACTTTTCCTAGGTTTATCTTCTTTCAAATCTGACAGAAAAAAAGAAAAAGAA-3'
Protein context (NP_000456.2, residues 124-144): KEDKPRKSLF[Asn134Lys]DAGNKKNSIK

ClinVar aggregate classification (germline): Uncertain significance (1 of 4 stars; one submission).

Conditions:
Hereditary cancer-predisposing syndrome. Also called: Neoplastic Syndromes, Hereditary; Tumor predisposition; Hereditary neoplastic syndrome; Hereditary Cancer Syndrome. Identifiers: Orphanet 140162, MedGen C0027672, MeSH D009386, MONDO:0015356.

Submission:

Ambry Genetics
Classification: Uncertain significance for Hereditary cancer-predisposing syndrome. Last evaluated: 2022-11-24. Review status: criteria provided, single submitter. Criteria: Ambry Variant Classification Scheme 2023. Collection method: clinical testing. Allele origin: germline.
Comment: The p.N134K variant (also known as c.402T>G), located in coding exon 4 of the BARD1 gene, results from a T to G substitution at nucleotide position 402. The asparagine at codon 134 is replaced by lysine, an amino acid with similar properties. This amino acid position is conserved. In addition, this alteration is predicted to be tolerated by in silico analysis. Since supporting evidence is limited at this time, the clinical significance of this alteration remains unclear.